The following is an entry in ClinVar:

NM_001211.6(BUB1B):c.2156A>T (p.Gln719Leu)

Gene: BUB1B (BUB1 mitotic checkpoint serine/threonine kinase B; plus strand). Cytogenetic location: 15q15.1.
Variant type: single nucleotide variant.
Coding change: c.2156A>T on transcript NM_001211.6 (MANE Select); coding-DNA position 2156, A replaced by T.
Protein change: p.Gln719Leu; replaces glutamine 719 with leucine.
Molecular consequence: missense variant.
Genome position (GRCh38, 1-based): chr15:40,209,647, A>T. VCF-style: chr15-40209647-A-T. GRCh37 (hg19) VCF-style: chr15-40501848-A-T.
Other names: short protein forms Q719L.
Identifiers: ClinVar variation 2424974 (VCV002424974.8), dbSNP rs2037684734, ClinGen allele CA391694141.

ClinVar aggregate classification (germline): Uncertain significance. Review status: criteria provided, multiple submitters, no conflicts (2 of 4 stars). 2 submissions from 2 submitters: Uncertain significance (2). Last evaluated 2024-08-11.

Conditions:
Inborn genetic diseases. Identifiers: MedGen C0950123, MeSH D030342.
Mosaic variegated aneuploidy syndrome 1 (MVA1). Also called: Warburton-Anyane-Yeboa syndrome. Identifiers: Orphanet 1052, MedGen C1850343, MONDO:0009759, OMIM 257300.

Allele frequency attached by ClinVar (database versions not stated): gnomAD 0.00001.
gnomAD v4.1: 1 of 1,614,018 alleles (0.000062%); highest among the groups gnomAD compares: African/African-American, 0.0013%; no homozygotes.

Submissions (2):

Labcorp Genetics (formerly Invitae), Labcorp
Classification: Uncertain significance for Mosaic variegated aneuploidy syndrome 1. Last evaluated: 2024-08-11. Review status: criteria provided, single submitter. Criteria: Invitae Variant Classification Sherloc (09022015). Collection method: clinical testing. Allele origin: germline.
Comment: This sequence change replaces glutamine, which is neutral and polar, with leucine, which is neutral and non-polar, at codon 719 of the BUB1B protein (p.Gln719Leu). This variant is not present in population databases (gnomAD no frequency). This variant has not been reported in the literature in individuals affected with BUB1B-related conditions. ClinVar contains an entry for this variant (Variation ID: 2424974). An algorithm developed to predict the effect of missense changes on protein structure and function outputs the following: PolyPhen-2: "Benign". The leucine amino acid residue is found in multiple mammalian species, which suggests that this missense change does not adversely affect protein function. In summary, the available evidence is currently insufficient to determine the role of this variant in disease. Therefore, it has been classified as a Variant of Uncertain Significance.

Ambry Genetics
Classification: Uncertain significance for Inborn genetic diseases. Last evaluated: 2023-07-03. Review status: criteria provided, single submitter. Criteria: Ambry Variant Classification Scheme 2023. Collection method: clinical testing. Allele origin: germline.
Comment: The p.Q719L variant (also known as c.2156A>T), located in coding exon 17 of the BUB1B gene, results from an A to T substitution at nucleotide position 2156. The glutamine at codon 719 is replaced by leucine, an amino acid with dissimilar properties. This amino acid position is conserved. In addition, this alteration is predicted to be tolerated by in silico analysis. Since supporting evidence is limited at this time, the clinical significance of this alteration remains unclear.